The following is an entry in ClinVar:

NM_001267550.2(TTN):c.18029-20_18029-19delinsCC

Gene: TTN (titin; minus strand). Cytogenetic location: 2q31.2.
Variant type: Indel.
Coding change: c.18029-20_18029-19delinsCC on transcript NM_001267550.2 (MANE Select); 20 bases into the intron before coding-DNA position 18029 through 19 bases into the intron before coding-DNA position 18029, TG replaced by CC.
Molecular consequence: intron variant.
Genome position (GRCh38, 1-based): chr2:178,730,390-178,730,391, CA replaced by GG on the plus strand (TG replaced by CC on the coding strand, the reverse complement: TTN is on the minus strand). VCF-style: chr2-178730390-CA-GG. GRCh37 (hg19) VCF-style: chr2-179595117-CA-GG.
Other names: c.13282+7691_13282+7692delinsCC (NM_003319.4); c.13858+7691_13858+7692delinsCC (NM_133437.4); c.13657+7691_13657+7692delinsCC (NM_133432.3); c.14297-20_14297-19delinsCC (NM_133378.4); c.17078-20_17078-19delinsCC (NM_001256850.1).
Identifiers: ClinVar variation 928994 (VCV000928994.9), dbSNP rs2080233713, ClinGen allele CA1139657479.

ClinVar aggregate classification (germline): Conflicting classifications of pathogenicity. Review status: criteria provided, conflicting classifications (1 of 4 stars). 2 submissions from 2 submitters: Uncertain significance (1); Likely benign (1). Last evaluated 2025-12-31.

Conditions:
Dilated cardiomyopathy 1G (CMD1G). Identifiers: Orphanet 154, MedGen C1858763, MONDO:0011400, OMIM 604145.
Autosomal recessive limb-girdle muscular dystrophy type 2J (LGMDR10). Also called: Limb-girdle muscular dystrophy, type 2J; MUSCULAR DYSTROPHY, LIMB-GIRDLE, AUTOSOMAL RECESSIVE 10. Identifiers: Orphanet 140922, MedGen C1837342, MONDO:0012127, OMIM 608807.

Submissions (2):

Labcorp Genetics (formerly Invitae), Labcorp
Classification: Likely benign for Dilated cardiomyopathy 1G; Autosomal recessive limb-girdle muscular dystrophy type 2J. Last evaluated: 2025-12-31. Review status: criteria provided, single submitter. Criteria: Invitae Variant Classification Sherloc (09022015). Collection method: clinical testing. Allele origin: germline.

Women's Health and Genetics/Laboratory Corporation of America, LabCorp
Classification: Uncertain significance. Last evaluated: 2019-11-05. Review status: criteria provided, single submitter. Criteria: LabCorp Variant Classification Summary - May 2015. Collection method: clinical testing. Allele origin: germline.
Comment: Variant summary: TTN c.14297-20_14297-19delinsCC alters two nucleotide located close to a canonical splice site and therefore could affect mRNA splicing, leading to a significantly altered protein sequence. 5/5 computational tools predict no significant impact on normal splicing. However, these predictions have yet to be confirmed by functional studies. The frequency of this variant in the general population could not be determined as the technology used for large population databases (ExAC, gnomAD, ESP, 1000G) cannot detect variants of this type. The available data on variant occurrences in the general population are insufficient to allow any conclusion about variant significance. To our knowledge, no occurrence of c.14297-20_14297-19delinsCC in individuals affected with Cardiomyopathy and no experimental evidence demonstrating its impact on protein function have been reported. No clinical diagnostic laboratories have submitted clinical-significance assessments for this variant to ClinVar after 2014. Based on the evidence outlined above, the variant was classified as uncertain significance.